The following is an entry in ClinVar:

NM_000053.4(ATP7B):c.3842_3865dup (p.Thr1288_Asp1289insGlyValAlaIleGlyThrGlyThr)

Gene: ATP7B (ATPase copper transporting beta; minus strand). Cytogenetic location: 13q14.3.
Variant type: Duplication.
Coding change: c.3842_3865dup on transcript NM_000053.4 (MANE Select); coding-DNA positions 3842 to 3865, 24 bases duplicated (GTGTGGCCATTGGCACCGGCACGG).
Protein change: p.Thr1288_Asp1289insGlyValAlaIleGlyThrGlyThr.
Molecular consequence: inframe insertion. On other transcripts: intron variant (1).
Genome position (GRCh38, 1-based): chr13:51,937,514-51,937,537, CCGTGCCGGTGCCAATGGCCACAC duplicated on the plus strand (GTGTGGCCATTGGCACCGGCACGG on the coding strand, the reverse complement: ATP7B is on the minus strand); duplicating any 24 consecutive bases within chr13:51,937,514-51,937,539 gives the same sequence; the c. name uses the placement nearest the transcript's 3' end. VCF-style (leftmost placement, unchanged base first): chr13-51937513-T-TCCGTGCCGGTGCCAATGGCCACAC. GRCh37 (hg19) VCF-style: chr13-52511649-T-TCCGTGCCGGTGCCAATGGCCACAC.
Other names: c.3221_3244dup, p.Thr1081_Asp1082insGlyValAlaIleGlyThrGlyThr (NM_001005918.3); c.3509_3532dup, p.Thr1177_Asp1178insGlyValAlaIleGlyThrGlyThr (NM_001243182.2); c.3608_3631dup, p.Thr1210_Asp1211insGlyValAlaIleGlyThrGlyThr (NM_001330578.2, NM_001406527.1, NM_001406528.1); c.3590_3613dup, p.Thr1204_Asp1205insGlyValAlaIleGlyThrGlyThr (NM_001330579.2, NM_001406531.1, NM_001406532.1); c.3842_3865dup, p.Thr1288_Asp1289insGlyValAlaIleGlyThrGlyThr (NM_001406511.1, NM_001406512.1); c.3836_3859dup, p.Thr1286_Asp1287insGlyValAlaIleGlyThrGlyThr (NM_001406513.1); c.3809_3832dup, p.Thr1277_Asp1278insGlyValAlaIleGlyThrGlyThr (NM_001406514.1); c.3788_3811dup, p.Thr1270_Asp1271insGlyValAlaIleGlyThrGlyThr (NM_001406515.1, NM_001406516.1); and 21 more.
Identifiers: ClinVar variation 4540621 (VCV004540621.1).
Genomic context (GRCh38, chr13:51,937,513, plus strand): 5'-AGCCTGGCTGCAGCCACGCTCACTCTGATAAGGACGACGTCGGCTGCCTCGATGGCCACA[T>TCCGTGCCGGTGCCAATGGCCACAC]CCGTGCCGGTGCCAATGGCCACACCCATGTCTGCCTGGGCCAAGGCCGGGGAGTCATTGA-3'

ClinVar aggregate classification (germline): Likely pathogenic (1 of 4 stars; one submission).

Conditions:
Wilson disease (WND). Also called: Wilson's disease. Identifiers: Orphanet 905, MedGen C0019202, MONDO:0010200, OMIM 277900. Disease mechanism: loss of function.

Submission:

Lildballe Lab, Aarhus University Hospital
Classification: Likely pathogenic for Wilson disease. Last evaluated: 2024-08-29. Review status: criteria provided, single submitter. Criteria: ACMG Guidelines, 2015. Collection method: clinical testing. Allele origin: germline. Affected: yes.
Comment: PM2 PM4 PM1